The following is an entry in ClinVar:

ClinVar aggregate classification (germline): Pathogenic/Likely pathogenic. Review status: criteria provided, multiple submitters, no conflicts (2 of 4 stars). 2 submissions from 2 submitters: Pathogenic (1); Likely pathogenic (1). Last evaluated 2024-08-22.

Conditions:
Polyglandular autoimmune syndrome, type 1 (APS1). Also called: Autoimmune polyendocrinopathy syndrome , type I, with or without reversible metaphyseal dysplasia; Autoimmune polyendocrine syndrome type 1; Whitaker syndrome; AUTOIMMUNE POLYENDOCRINE SYNDROME, TYPE I, WITH OR WITHOUT REVERSIBLE METAPHYSEAL DYSPLASIA; APS I; Autoimmune polyendocrinopathy syndrome, type I. Identifiers: Orphanet 3453, MedGen C0085859, MONDO:0009411, OMIM 240300.

Submissions (2):

Revvity Omics, Revvity
Classification: Likely pathogenic for Polyglandular autoimmune syndrome, type 1. Last evaluated: 2024-08-22. Review status: criteria provided, single submitter. Criteria: ACMG Guidelines, 2015. Collection method: clinical testing. Allele origin: germline.

Labcorp Genetics (formerly Invitae), Labcorp
Classification: Pathogenic for Polyglandular autoimmune syndrome, type 1. Last evaluated: 2022-06-13. Review status: criteria provided, single submitter. Criteria: Invitae Variant Classification Sherloc (09022015). Collection method: clinical testing. Allele origin: germline.
Comment: For these reasons, this variant has been classified as Pathogenic. This variant has not been reported in the literature in individuals affected with AIRE-related conditions. This variant is not present in population databases (gnomAD no frequency). This sequence change creates a premature translational stop signal (p.Ser412Argfs*68) in the AIRE gene. It is expected to result in an absent or disrupted protein product. Loss-of-function variants in AIRE are known to be pathogenic (PMID: 11524731, 26141571).

Literature cited by the submitters: PubMed 11524731 (cited by Labcorp Genetics (formerly Invitae), Labcorp); PubMed 26141571 (cited by Labcorp Genetics (formerly Invitae), Labcorp).

NM_000383.4(AIRE):c.1233del (p.Ser412fs)

Gene: AIRE (autoimmune regulator; plus strand). Cytogenetic location: 21q22.3.
Variant type: Deletion.
Coding change: c.1233del on transcript NM_000383.4 (MANE Select); coding-DNA position 1233, one base deleted (C; older notation c.1233delC).
Protein change: p.Ser412fs; shifts the reading frame from serine 412.
Molecular consequence: frameshift variant.
Genome position (GRCh38, 1-based): chr21:44,293,130, C deleted; the last of 2 consecutive C bases (chr21:44,293,129-44,293,130); deleting either gives the same sequence. VCF-style (leftmost placement, unchanged base first): chr21-44293128-TC-T. GRCh37 (hg19) VCF-style: chr21-45713011-TC-T.
Other names: short protein forms S412fs.
Identifiers: ClinVar variation 1433366 (VCV001433366.8), dbSNP rs2146383573, ClinGen allele CA2573157547.